The following is an entry in ClinVar:

NM_018418.5(SPATA7):c.661C>T (p.Pro221Ser)

Gene: SPATA7 (spermatogenesis associated 7; plus strand). Cytogenetic location: 14q31.3.
Variant type: single nucleotide variant.
Coding change: c.661C>T on transcript NM_018418.5 (MANE Select); coding-DNA position 661, C replaced by T.
Protein change: p.Pro221Ser; replaces proline 221 with serine.
Molecular consequence: missense variant.
Genome position (GRCh38, 1-based): chr14:88,426,520, C>T. VCF-style: chr14-88426520-C-T. GRCh37 (hg19) VCF-style: chr14-88892864-C-T.
Other names: c.565C>T, p.Pro189Ser (NM_001040428.4); short protein forms P221S, P189S.
Identifiers: ClinVar variation 2084502 (VCV002084502.4), dbSNP rs562928863, ClinGen allele CA264534562.

ClinVar aggregate classification (germline): Uncertain significance (1 of 4 stars; one submission).

Conditions:
Leber congenital amaurosis 3 (LCA3). Also called: SPATA7-Related Retinitis Pigmentosa. Identifiers: MedGen C1858677, MONDO:0011415, OMIM 604232.

Allele frequency attached by ClinVar (database versions not stated): gnomAD 0.00001; 1000 Genomes Project 30x 0.00016; 1000 Genomes Project 0.00020.
gnomAD v4.1: 1 of 1,614,190 alleles (0.000062%); highest among the groups gnomAD compares: East Asian, 0.0022%; no homozygotes.

Submission:

Labcorp Genetics (formerly Invitae), Labcorp
Classification: Uncertain significance for Leber congenital amaurosis 3. Last evaluated: 2022-01-15. Review status: criteria provided, single submitter. Criteria: Invitae Variant Classification Sherloc (09022015). Collection method: clinical testing. Allele origin: germline.
Comment: This variant has not been reported in the literature in individuals affected with SPATA7-related conditions. This sequence change replaces proline, which is neutral and non-polar, with serine, which is neutral and polar, at codon 221 of the SPATA7 protein (p.Pro221Ser). This variant is not present in population databases (gnomAD no frequency). Algorithms developed to predict the effect of missense changes on protein structure and function output the following: SIFT: "Tolerated"; PolyPhen-2: "Benign"; Align-GVGD: "Class C0". The serine amino acid residue is found in multiple mammalian species, which suggests that this missense change does not adversely affect protein function. In summary, the available evidence is currently insufficient to determine the role of this variant in disease. Therefore, it has been classified as a Variant of Uncertain Significance.